The following is an entry in ClinVar:

ClinVar aggregate classification (germline): Likely benign (1 of 4 stars; one submission).

Allele frequency attached by ClinVar (database versions not stated): gnomAD exomes 0.00063; 1000 Genomes Project 30x 0.00640; gnomAD 0.00664; 1000 Genomes Project 0.01837.
gnomAD v4.1: 1,167 of 778,124 alleles (0.15%); highest among the groups gnomAD compares: African/African-American, 2.2%; 16 homozygotes.

Submission:

GeneDx
Classification: Likely benign. Last evaluated: 2021-05-20. Review status: criteria provided, single submitter. Criteria: GeneDx Variant Classification Process June 2021. Collection method: clinical testing. Allele origin: germline. Affected: yes.
Comment: See Variant Classification Assertion Criteria.

NM_020223.4(FAM20C):c.1072+101T>C

Gene: FAM20C (FAM20C golgi associated secretory pathway kinase; plus strand). Cytogenetic location: 7p22.3.
Variant type: single nucleotide variant.
Coding change: c.1072+101T>C on transcript NM_020223.4 (MANE Select); 101 bases into the intron after coding-DNA position 1072, T replaced by C.
Molecular consequence: intron variant.
Genome position (GRCh38, 1-based): chr7:248,531, T>C. VCF-style: chr7-248531-T-C. GRCh37 (hg19) VCF-style: chr7-288497-T-C.
Identifiers: ClinVar variation 1706912 (VCV001706912.2), dbSNP rs533696074, ClinGen allele CA152273900.